The following is an entry in ClinVar:

ClinVar aggregate classification (germline): Likely pathogenic (1 of 4 stars; one submission).

Conditions:
Knobloch syndrome 1 (KNO1). Identifiers: MedGen C4551775, MONDO:0800167, OMIM 267750.

Submission:

OLLIN Analises Genomicas, OLLIN
Classification: Likely pathogenic for Knobloch syndrome 1. Last evaluated: 2026-02-13. Review status: criteria provided, single submitter. Criteria: ACMG Guidelines 2015 PMID 25741868. Collection method: clinical testing. Allele origin: germline. Observed: 1 variant allele.
Comment: PVS1, PM2_P

NM_001379500.1(COL18A1):c.3217-1G>T

Genes: COL18A1 (collagen type XVIII alpha 1 chain; plus strand), SLC19A1 (solute carrier family 19 member 1; minus strand). Cytogenetic location: 21q22.3.
Variant type: single nucleotide variant.
Coding change: c.3217-1G>T on transcript NM_001379500.1 (MANE Select); the canonical splice acceptor site of the intron before coding-DNA position 3217, G replaced by T.
Molecular consequence: splice acceptor variant.
Genome position (GRCh38, 1-based): chr21:45,507,560, G>T. VCF-style: chr21-45507560-G-T. GRCh37 (hg19) VCF-style: chr21-46927474-G-T.
Other names: c.4462-1G>T (NM_130444.3); c.3757-1G>T (NM_030582.4).
Identifiers: ClinVar variation 4814145 (VCV004814145.1).
Genomic context (GRCh38, chr21:45,507,560, plus strand): 5'-GGAGGGCACCCTGGCTCAGGCCCAGCCGCAGGTCCTGGGTGACCCTGCTGCTTTCTTCCA[G>T]CTGGAGGCCCGGACACCACTCCCACGAGGGACGGTAAGGAGCCTTTTTTCTGTTGAGACT-3'